The following is an entry in ClinVar:

ClinVar aggregate classification (germline): Uncertain significance (1 of 4 stars; one submission).

Submission:

Labcorp Genetics (formerly Invitae), Labcorp
Classification: Uncertain significance. Last evaluated: 2021-12-15. Review status: criteria provided, single submitter. Criteria: Invitae Variant Classification Sherloc (09022015). Collection method: clinical testing. Allele origin: germline.
Comment: This variant is not present in population databases (gnomAD no frequency). In summary, the available evidence is currently insufficient to determine the role of this variant in disease. Therefore, it has been classified as a Variant of Uncertain Significance. Algorithms developed to predict the effect of missense changes on protein structure and function are either unavailable or do not agree on the potential impact of this missense change (SIFT: "Deleterious"; PolyPhen-2: "Not Available"; Align-GVGD: "Class C25"). This variant has not been reported in the literature in individuals affected with CYFIP2-related conditions. This sequence change replaces isoleucine, which is neutral and non-polar, with threonine, which is neutral and polar, at codon 1062 of the CYFIP2 protein (p.Ile1062Thr).

NM_001037333.3(CYFIP2):c.3185T>C (p.Ile1062Thr)

Genes: CYFIP2 (cytoplasmic FMR1 interacting protein 2; plus strand), NIPAL4-DT (NIPAL4 divergent transcript; minus strand). Cytogenetic location: 5q33.3.
Variant type: single nucleotide variant.
Coding change: c.3185T>C on transcript NM_001037333.3 (MANE Select); coding-DNA position 3185, T replaced by C.
Protein change: p.Ile1062Thr; replaces isoleucine 1062 with threonine.
Molecular consequence: missense variant.
Genome position (GRCh38, 1-based): chr5:157,383,337, T>C. VCF-style: chr5-157383337-T-C. GRCh37 (hg19) VCF-style: chr5-156810345-T-C.
Other names: c.3107T>C, p.Ile1036Thr (NM_001291721.2); c.3260T>C, p.Ile1087Thr (NM_001291722.2); c.3185T>C, p.Ile1062Thr (NM_014376.4); short protein forms I1062T, I1087T, I1036T.
Identifiers: ClinVar variation 1397043 (VCV001397043.6), dbSNP rs2113516470, ClinGen allele CA361981364.